The following is an entry in ClinVar:

NM_000069.3(CACNA1S):c.4987A>G (p.Asn1663Asp)

Gene: CACNA1S (calcium voltage-gated channel subunit alpha1 S; minus strand). Cytogenetic location: 1q32.1.
Variant type: single nucleotide variant.
Coding change: c.4987A>G on transcript NM_000069.3 (MANE Select); coding-DNA position 4987, A replaced by G.
Protein change: p.Asn1663Asp; replaces asparagine 1663 with aspartic acid.
Molecular consequence: missense variant.
Genome position (GRCh38, 1-based): chr1:201,043,342, T>C on the plus strand (A>G on the coding strand, the complement: CACNA1S is on the minus strand). VCF-style: chr1-201043342-T-C. GRCh37 (hg19) VCF-style: chr1-201012470-T-C.
Other names: short protein forms N1663D.
Identifiers: ClinVar variation 661824 (VCV000661824.14), dbSNP rs141618437, ClinGen allele CA083643.

ClinVar aggregate classification (germline): Conflicting classifications of pathogenicity. Review status: criteria provided, conflicting classifications (1 of 4 stars). 5 submissions from 5 submitters: Uncertain significance (3); Likely benign (1). 1 of the submissions does not count toward it. Last evaluated 2025-11-08.

Conditions:
CACNA1S-related disorder. Also called: CACNA1S-related condition.
Malignant hyperthermia, susceptibility to, 5 (MHS5). Also called: CACNA1S-Related Malignant Hyperthermia Susceptibility. Identifiers: Orphanet 423, MedGen C1866077, MONDO:0011163, OMIM 601887.
Thyrotoxic periodic paralysis, susceptibility to, 1 (TTPP1). Identifiers: Orphanet 79102, MedGen C2749982, MONDO:0008570, OMIM 188580.
Hypokalemic periodic paralysis, type 1. Also called: Hypokalemic Periodic Paralysis Type 1 (AD); HypoPP. Identifiers: Orphanet 681, MedGen C3714580, MONDO:0042979, OMIM 170400.
Congenital myopathy 18. Also called: Myopathy, congenital, due to dihydropyridine receptor defect; DIHYDROPYRIDINE RECEPTOR CONGENITAL MYOPATHY; DHPR CONGENITAL MYOPATHY. Identifiers: MedGen C5830283, MONDO:0859514, OMIM 620246.

Allele frequency attached by ClinVar (database versions not stated): ESP Exome Variant Server 0.00008; gnomAD 0.00026 and 0.00027; ExAC 0.00006; gnomAD exomes 0.00006; TOPMed 0.00022.

Submissions (5):

Labcorp Genetics (formerly Invitae), Labcorp
Classification: Likely benign for Hypokalemic periodic paralysis, type 1; Malignant hyperthermia, susceptibility to, 5. Last evaluated: 2025-11-08. Review status: criteria provided, single submitter. Criteria: Invitae Variant Classification Sherloc (09022015). Collection method: clinical testing. Allele origin: germline.

GeneDx
Classification: Uncertain significance. Last evaluated: 2025-03-11. Review status: criteria provided, single submitter. Criteria: GeneDx Variant Classification Process June 2021. Collection method: clinical testing. Allele origin: germline.
Comment: In silico analysis supports that this missense variant has a deleterious effect on protein structure/function; Has not been previously published as pathogenic or benign to our knowledge

Color Diagnostics, LLC DBA Color Health
Classification: Uncertain significance for Malignant hyperthermia, susceptibility to, 5. Last evaluated: 2024-01-29. Review status: criteria provided, single submitter. Criteria: ACMG Guidelines, 2015. Collection method: clinical testing. Allele origin: germline.
Comment: This missense variant replaces asparagine with aspartic acid at codon 1663 of the CACNA1S protein. Computational prediction suggests that this variant may not impact protein structure and function. To our knowledge, functional studies have not been reported for this variant. This variant has not been reported in individuals affected with CACNA1S-related disorders in the literature. This variant has been identified in 24/282838 chromosomes in the general population by the Genome Aggregation Database (gnomAD). The available evidence is insufficient to determine the role of this variant in disease conclusively. Therefore, this variant is classified as a Variant of Uncertain Significance.

Fulgent Genetics
Classification: Uncertain significance for Hypokalemic periodic paralysis, type 1; Thyrotoxic periodic paralysis, susceptibility to, 1; Malignant hyperthermia, susceptibility to, 5; Congenital myopathy 18. Last evaluated: 2024-01-24. Review status: criteria provided, single submitter. Criteria: ACMG Guidelines, 2015. Collection method: clinical testing. Allele origin: germline.

PreventionGenetics, part of Exact Sciences
Classification: Likely benign for CACNA1S-related condition. Last evaluated: 2023-10-20. Review status: no assertion criteria provided. Collection method: clinical testing. Allele origin: germline. Not counted in ClinVar's aggregate classification.
Comment: This variant is classified as likely benign based on ACMG/AMP sequence variant interpretation guidelines (Richards et al. 2015 PMID: 25741868, with internal and published modifications).